The following is an entry in ClinVar:

ClinVar aggregate classification (germline): Uncertain significance. Review status: criteria provided, multiple submitters, no conflicts (2 of 4 stars). 2 submissions from 2 submitters: Uncertain significance (2). Last evaluated 2025-02-21.

Conditions:
Hereditary cancer-predisposing syndrome. Also called: Neoplastic Syndromes, Hereditary; Hereditary neoplastic syndrome; Tumor predisposition; Hereditary Cancer Syndrome. Identifiers: Orphanet 140162, MedGen C0027672, MeSH D009386, MONDO:0015356.
Ataxia-telangiectasia syndrome (AT). Also called: Ataxia telangiectasia (A-T); Cerebello-oculocutaneous telangiectasia; Immunodeficiency with ataxia telangiectasia; LOUIS-BAR SYNDROME; AT, COMPLEMENTATION GROUP C; ATAXIA-TELANGIECTASIA, FRESNO VARIANT. Identifiers: Orphanet 100, MedGen C0004135, MONDO:0008840, OMIM 208900.

Submissions (2):

Labcorp Genetics (formerly Invitae), Labcorp
Classification: Uncertain significance for Ataxia-telangiectasia syndrome. Last evaluated: 2025-02-21. Review status: criteria provided, single submitter. Criteria: Invitae Variant Classification Sherloc (09022015). Collection method: clinical testing. Allele origin: germline.
Comment: This sequence change replaces glycine, which is neutral and non-polar, with glutamic acid, which is acidic and polar, at codon 3030 of the ATM protein (p.Gly3030Glu). This variant is not present in population databases (gnomAD no frequency). This variant has not been reported in the literature in individuals affected with ATM-related conditions. ClinVar contains an entry for this variant (Variation ID: 230370). Invitae Evidence Modeling of protein sequence and biophysical properties (such as structural, functional, and spatial information, amino acid conservation, physicochemical variation, residue mobility, and thermodynamic stability) indicates that this missense variant is expected to disrupt ATM protein function with a positive predictive value of 95%. In summary, the available evidence is currently insufficient to determine the role of this variant in disease. Therefore, it has been classified as a Variant of Uncertain Significance.

Ambry Genetics
Classification: Uncertain significance for Hereditary cancer-predisposing syndrome. Last evaluated: 2016-07-13. Review status: criteria provided, single submitter. Criteria: Ambry Variant Classification Scheme 2023. Collection method: clinical testing. Allele origin: germline.
Comment: The p.G3030E variant (also known as c.9089G>A), located in coding exon 62 of the ATM gene, results from a G to A substitution at nucleotide position 9089. The glycine at codon 3030 is replaced by glutamic acid, an amino acid with some similar properties. This variant was not reported in population based cohorts in the following databases: Database of Single Nucleotide Polymorphisms (dbSNP), NHLBI Exome Sequencing Project (ESP), and 1000 Genomes Project. In the ESP, this variant was not observed in 6499 samples (12998 alleles) with coverage at this position. To date, this alteration has been detected with an allele frequency of approximately 0.001% (greater than 180000 alleles tested) in our clinical cohort. This amino acid position is highly conserved in available vertebrate species. In addition, this alteration is predicted to be deleterious by in silico analysis. Since supporting evidence is limited at this time, the clinical significance of p.G3030E remains unclear.

NM_000051.4(ATM):c.9089G>A (p.Gly3030Glu)

Genes: ATM (ATM serine/threonine kinase; plus strand), C11orf65 (chromosome 11 open reading frame 65; minus strand). Cytogenetic location: 11q22.3.
Variant type: single nucleotide variant.
Coding change: c.9089G>A on transcript NM_000051.4 (MANE Select); coding-DNA position 9089, G replaced by A.
Protein change: p.Gly3030Glu; replaces glycine 3030 with glutamic acid.
Molecular consequence: missense variant. On other transcripts: intron variant (2).
Genome position (GRCh38, 1-based): chr11:108,365,426, G>A. VCF-style: chr11-108365426-G-A. GRCh37 (hg19) VCF-style: chr11-108236153-G-A.
Other names: c.9089G>A, p.Gly3030Glu (NM_001351834.2); c.640+20494C>T (NM_001330368.2); c.694+20494C>T (NM_001351110.2); short protein forms G3030E.
Identifiers: ClinVar variation 230370 (VCV000230370.13), dbSNP rs876658529, ClinGen allele CA10579341.
Genomic context (GRCh38, chr11:108,365,426, plus strand): 5'-TAATGAGACTACAAGAGAAACTGAAAGGAGTGGAAGAAGGCACTGTGCTCAGTGTTGGTG[G>A]ACAAGTGAATTTGCTCATACAGCAGGCCATAGACCCCAAAAATCTCAGCCGACTTTTCCC-3'
Protein context (NP_000042.3, residues 3020-3040): VEEGTVLSVG[Gly3030Glu]QVNLLIQQAI